The following is an entry in ClinVar:

ClinVar aggregate classification (germline): Uncertain significance (1 of 4 stars; one submission).

Conditions:
Agammaglobulinemia 6, autosomal recessive (AGM6). Also called: AGAMMAGLOBULINEMIA 6; AGAMMAGLOBULINEMIA, AUTOSOMAL RECESSIVE, DUE TO CD79B DEFECT. Identifiers: MedGen C3150207, MONDO:0012987, OMIM 612692.

Submission:

Labcorp Genetics (formerly Invitae), Labcorp
Classification: Uncertain significance for Agammaglobulinemia 6, autosomal recessive. Last evaluated: 2019-05-31. Review status: criteria provided, single submitter. Criteria: Invitae Variant Classification Sherloc (09022015). Collection method: clinical testing. Allele origin: germline.
Comment: This sequence change replaces lysine with glutamic acid at codon 183 of the CD79B protein (p.Lys183Glu). The lysine residue is highly conserved and there is a small physicochemical difference between lysine and glutamic acid. This variant is not present in population databases (ExAC no frequency). This variant has not been reported in the literature in individuals with CD79B-related conditions. Algorithms developed to predict the effect of missense changes on protein structure and function (SIFT, PolyPhen-2, Align-GVGD) all suggest that this variant is likely to be disruptive, but these predictions have not been confirmed by published functional studies and their clinical significance is uncertain. In summary, the available evidence is currently insufficient to determine the role of this variant in disease. Therefore, it has been classified as a Variant of Uncertain Significance.

NM_000626.4(CD79B):c.547A>G (p.Lys183Glu)

Genes: CD79B (CD79b molecule; minus strand), GH-LCR (growth hormone locus control region; plus strand). Cytogenetic location: 17q23.3.
Variant type: single nucleotide variant.
Coding change: c.547A>G on transcript NM_000626.4 (MANE Select); coding-DNA position 547, A replaced by G.
Protein change: p.Lys183Glu; replaces lysine 183 with glutamic acid.
Molecular consequence: missense variant.
Genome position (GRCh38, 1-based): chr17:63,929,772, T>C on the plus strand (A>G on the coding strand, the complement: CD79B is on the minus strand). VCF-style: chr17-63929772-T-C. GRCh37 (hg19) VCF-style: chr17-62007132-T-C.
Other names: c.550A>G, p.Lys184Glu (NM_001039933.3); c.238A>G, p.Lys80Glu (NM_001329050.2); c.235A>G, p.Lys79Glu (NM_021602.4); short protein forms K184E, K183E, K80E, K79E.
Identifiers: ClinVar variation 837161 (VCV000837161.1), dbSNP rs1908001684, ClinGen allele CA400603961.
Genomic context (GRCh38, chr17:63,929,772, plus strand): 5'-TGGCCTATGCGGTGGCCTCCTCTGCGGTCCCCCAAGGCTTCCCCCGTCCCCTGATCACCT[T>C]GTCCAGCAGCAGGAAGATAGGCACGATGATGAAGAGGATGATCAGCAGCGTCTGGATCAT-3'
Protein context (NP_000617.1, residues 173-193): IIVPIFLLLD[Lys183Glu]DDSKAGMEED